The following is an entry in ClinVar:

NM_000179.3(MSH6):c.628-13C>T

Gene: MSH6 (mutS homolog 6; plus strand). Cytogenetic location: 2p16.3.
Variant type: single nucleotide variant.
Coding change: c.628-13C>T on transcript NM_000179.3 (MANE Select); 13 bases into the intron before coding-DNA position 628, C replaced by T.
Molecular consequence: intron variant.
Genome position (GRCh38, 1-based): chr2:47,798,598, C>T. VCF-style: chr2-47798598-C-T. GRCh37 (hg19) VCF-style: chr2-48025737-C-T.
Other names: c.-279-13C>T (NM_001281493.2); c.238-13C>T (NM_001281492.2); c.-275-17C>T (NM_001281494.2).
Identifiers: ClinVar variation 491986 (VCV000491986.9), dbSNP rs538280815, ClinGen allele CA073224.
Genomic context (GRCh38, chr2:47,798,598, plus strand): 5'-TAAGTTGAACTGTCTTACATTATGGTTTTCCAAATTTTGATTTGTTTTTAAATACTCTTT[C>T]CTTGCCTGGCAGGTAGGCACAACTTACGTAACAGATAAGAGTGAAGAAGATAATGAAATT-3'

ClinVar aggregate classification (germline): Likely benign. Review status: criteria provided, multiple submitters, no conflicts (2 of 4 stars). 4 submissions from 4 submitters: Likely benign (4). Last evaluated 2025-11-19.

Conditions:
Hereditary nonpolyposis colorectal neoplasms. Identifiers: MedGen C0009405, MeSH D003123.
Hereditary cancer-predisposing syndrome. Also called: Hereditary neoplastic syndrome; Tumor predisposition; Hereditary Cancer Syndrome; Neoplastic Syndromes, Hereditary. Identifiers: Orphanet 140162, MedGen C0027672, MeSH D009386, MONDO:0015356.
Lynch syndrome 5 (LYNCH5). Also called: Colorectal cancer, hereditary nonpolyposis, type 5; Hereditary non-polyposis colorectal cancer, type 5. Identifiers: Orphanet 144, MedGen C1833477, MONDO:0013710, OMIM 614350. Disease mechanism: loss of function.

Submissions (4):

Labcorp Genetics (formerly Invitae), Labcorp
Classification: Likely benign for Hereditary nonpolyposis colorectal neoplasms. Last evaluated: 2025-11-19. Review status: criteria provided, single submitter. Criteria: Invitae Variant Classification Sherloc (09022015). Collection method: clinical testing. Allele origin: germline.

Myriad Genetics, Inc.
Classification: Likely benign for Lynch syndrome 5. Last evaluated: 2024-12-19. Review status: criteria provided, single submitter. Criteria: Myriad Autosomal Dominant, Autosomal Recessive and X-Linked Classification Criteria (2023). Collection method: clinical testing. Allele origin: unknown.
Comment: This variant is considered likely benign. This variant is intronic and is not expected to impact mRNA splicing.

GeneDx
Classification: Likely benign. Last evaluated: 2017-04-21. Review status: criteria provided, single submitter. Criteria: GeneDx Variant Classification (06012015). Collection method: clinical testing. Allele origin: germline. Affected: yes.
Comment: This variant is considered likely benign or benign based on one or more of the following criteria: it is a conservative change, it occurs at a poorly conserved position in the protein, it is predicted to be benign by multiple in silico algorithms, and/or has population frequency not consistent with disease.

Color Diagnostics, LLC DBA Color Health
Classification: Likely benign for Hereditary cancer-predisposing syndrome. Last evaluated: 2017-01-30. Review status: criteria provided, single submitter. Criteria: ACMG Guidelines, 2015. Collection method: clinical testing. Allele origin: germline.